The following is an entry in ClinVar:

ClinVar aggregate classification (germline): Uncertain significance. Review status: criteria provided, multiple submitters, no conflicts (2 of 4 stars). 2 submissions from 2 submitters: Uncertain significance (2). Last evaluated 2024-06-12.

Conditions:
Inborn genetic diseases. Identifiers: MedGen C0950123, MeSH D030342.

Allele frequency attached by ClinVar (database versions not stated): gnomAD exomes below 0.00001; ExAC 0.00001.
gnomAD v4.1: 2 of 1,613,968 alleles (0.00012%); highest among the groups gnomAD compares: Non-Finnish European, 0.00017%; no homozygotes.

Submissions (2):

GeneDx
Classification: Uncertain significance. Last evaluated: 2024-06-12. Review status: criteria provided, single submitter. Criteria: GeneDx Variant Classification Process June 2021. Collection method: clinical testing. Allele origin: germline. Affected: yes.
Comment: In silico analysis supports that this missense variant has a deleterious effect on protein structure/function; Has not been previously published as pathogenic or benign to our knowledge

Ambry Genetics
Classification: Uncertain significance for Inborn genetic diseases. Last evaluated: 2020-09-22. Review status: criteria provided, single submitter. Criteria: Ambry Variant Classification Scheme 2023. Collection method: clinical testing. Allele origin: germline.
Comment: The c.1967G>A (p.R656Q) alteration is located in exon 15 (coding exon 14) of the SOX6 gene. This alteration results from a G to A substitution at nucleotide position 1967, causing the arginine (R) at amino acid position 656 to be replaced by a glutamine (Q). Based on data from the Genome Aggregation Database (gnomAD) database, the SOX6 c.1967G>A alteration was observed in 0.0004% (1/251458) of total alleles studied. This amino acid position is highly conserved in available vertebrate species. The in silico prediction for the p.R656Q alteration is inconclusive. Based on insufficient or conflicting evidence, the clinical significance of this alteration remains unclear.

NM_001367873.1(SOX6):c.2027G>A (p.Arg676Gln)

Gene: SOX6 (SRY-box transcription factor 6; minus strand). Cytogenetic location: 11p15.2.
Variant type: single nucleotide variant.
Coding change: c.2027G>A on transcript NM_001367873.1 (MANE Select); coding-DNA position 2027, G replaced by A.
Protein change: p.Arg676Gln; replaces arginine 676 with glutamine.
Molecular consequence: missense variant.
Genome position (GRCh38, 1-based): chr11:15,986,360, C>T on the plus strand (G>A on the coding strand, the complement: SOX6 is on the minus strand). VCF-style: chr11-15986360-C-T. GRCh37 (hg19) VCF-style: chr11-16007906-C-T.
Other names: c.1946G>A, p.Arg649Gln (NM_001145811.2, NM_017508.3); c.2027G>A, p.Arg676Gln (NM_001145819.2); c.1904G>A, p.Arg635Gln (NM_001367872.1); c.1967G>A, p.Arg656Gln (NM_033326.3); short protein forms R635Q, R649Q, R656Q, R676Q.
Identifiers: ClinVar variation 985429 (VCV000985429.5), dbSNP rs777328198, ClinGen allele CA5897987.